The following is an entry in ClinVar:

ClinVar aggregate classification (germline): Likely pathogenic (1 of 4 stars; one submission).

Conditions:
Shwachman-Diamond syndrome 1 (SDS1). Also called: LIPOMATOSIS OF PANCREAS, CONGENITAL. Identifiers: MedGen C4692625, MONDO:0044204, OMIM 260400.

Submission:

Laboratorio de Genetica e Diagnostico Molecular, Hospital Israelita Albert Einstein
Classification: Likely pathogenic for Shwachman-Diamond syndrome 1. Last evaluated: 2022-04-07. Review status: criteria provided, single submitter. Criteria: ACMG Guidelines, 2015. Collection method: clinical testing. Allele origin: germline. Affected: yes. Observed: 1 variant allele.
Comment: ACMG classification criteria: PVS1 very strong, PM2 moderated

NM_016038.4(SBDS):c.478C>T (p.Gln160Ter)

Gene: SBDS (SBDS ribosome maturation factor; minus strand). Cytogenetic location: 7q11.21.
Variant type: single nucleotide variant.
Coding change: c.478C>T on transcript NM_016038.4 (MANE Select); coding-DNA position 478, C replaced by T.
Protein change: p.Gln160Ter; replaces glutamine 160 with a stop codon.
Molecular consequence: nonsense.
Genome position (GRCh38, 1-based): chr7:66,991,283, G>A on the plus strand (C>T on the coding strand, the complement: SBDS is on the minus strand). VCF-style: chr7-66991283-G-A. GRCh37 (hg19) VCF-style: chr7-66456270-G-A.
Other names: short protein forms Q160*.
Identifiers: ClinVar variation 2431953 (VCV002431953.1), dbSNP rs1387962158, ClinGen allele CA367647147.